The following is an entry in ClinVar:

ClinVar aggregate classification (germline): Uncertain significance (1 of 4 stars; one submission).

Conditions:
Hereditary cancer-predisposing syndrome. Also called: Tumor predisposition; Hereditary Cancer Syndrome; Hereditary neoplastic syndrome; Neoplastic Syndromes, Hereditary. Identifiers: Orphanet 140162, MedGen C0027672, MeSH D009386, MONDO:0015356.

Submission:

Ambry Genetics
Classification: Uncertain significance for Hereditary cancer-predisposing syndrome. Last evaluated: 2023-11-11. Review status: criteria provided, single submitter. Criteria: Ambry Variant Classification Scheme 2023. Collection method: clinical testing. Allele origin: germline.
Comment: The p.R7P variant (also known as c.20G>C), located in coding exon 1 of the MUTYH gene, results from a G to C substitution at nucleotide position 20. The arginine at codon 7 is replaced by proline, an amino acid with dissimilar properties. This amino acid position is conserved. In addition, this alteration is predicted to be tolerated by in silico analysis. Since supporting evidence is limited at this time, the clinical significance of this alteration remains unclear.

NM_001128425.2(MUTYH):c.20G>C (p.Arg7Pro)

Genes: MUTYH (mutY DNA glycosylase; minus strand), TOE1 (target of EGR1, exonuclease; plus strand). Cytogenetic location: 1p34.1.
Variant type: single nucleotide variant.
Coding change: c.20G>C on transcript NM_001128425.2 (MANE Plus Clinical); coding-DNA position 20, G replaced by C.
Protein change: p.Arg7Pro; replaces arginine 7 with proline.
Molecular consequence: missense variant. On other transcripts: 5 prime UTR variant (8), non-coding transcript variant (3).
Genome position (GRCh38, 1-based): chr1:45,340,235, C>G on the plus strand (G>C on the coding strand, the complement: MUTYH is on the minus strand). VCF-style: chr1-45340235-C-G. GRCh37 (hg19) VCF-style: chr1-45805907-C-G.
Other names: c.-18C>G (NM_025077.4); c.-23G>C (NM_001048171.2); c.20G>C, p.Arg7Pro (NM_001293190.2, NM_001407069.1, NM_001407073.1 and 1 more transcripts); c.-235G>C (NM_001293192.2); c.-294G>C (NM_001350650.2); c.-230G>C (NM_001350651.2); c.-39G>C (NM_001407070.1, NM_001407071.1); c.-19G>C (NM_001407072.1); short protein forms R7P.
Identifiers: ClinVar variation 3233033 (VCV003233033.1), dbSNP rs1114167687, ClinGen allele CA340137876.